The following is an entry in ClinVar:

NM_001035.3(RYR2):c.14440A>G (p.Met4814Val)

Gene: RYR2 (ryanodine receptor 2; plus strand). Cytogenetic location: 1q43.
Variant type: single nucleotide variant.
Coding change: c.14440A>G on transcript NM_001035.3 (MANE Select); coding-DNA position 14440, A replaced by G.
Protein change: p.Met4814Val; replaces methionine 4814 with valine.
Molecular consequence: missense variant.
Genome position (GRCh38, 1-based): chr1:237,819,042, A>G. VCF-style: chr1-237819042-A-G. GRCh37 (hg19) VCF-style: chr1-237982342-A-G.
Other names: short protein forms M4814V.
Identifiers: ClinVar variation 43743 (VCV000043743.5), dbSNP rs397516516, ClinGen allele CA008251.

ClinVar aggregate classification (germline): Uncertain significance (1 of 4 stars; one submission).

Allele frequency attached by ClinVar (database versions not stated): TOPMed below 0.00001.

Submission:

Laboratory for Molecular Medicine, Mass General Brigham Personalized Medicine
Classification: Uncertain significance. Last evaluated: 2012-05-24. Review status: criteria provided, single submitter. Criteria: LMM Criteria. Collection method: clinical testing. Allele origin: germline. Observed: 1 variant allele.
Comment: The Met4814Val variant in RYR2 has not been reported in the literature nor previ ously identified by our laboratory. This variant has not been identified in a ve ry large and broad population by the NHLBI Exome Sequencing Project (.). This low frequency is consistent with a disease causing role, but insufficient to establish this with confidence. Computational analyses (biochemical amino acid properties, conservation, AlignGVGD, PolyPhen2, and SIF T) do not provide strong support for or against an impact to the protein. Additi onal information is needed to fully assess the clinical significance of the Met4 814Val variant.